The following is an entry in ClinVar:

NM_015443.4(KANSL1):c.1805G>A (p.Arg602Gln)

Gene: KANSL1 (KAT8 regulatory NSL complex subunit 1). Cytogenetic location: 17q21.31.
Variant type: single nucleotide variant.
Coding change: c.1805G>A on transcript NM_015443.4 (MANE Select); coding-DNA position 1805, G replaced by A.
Protein change: p.Arg602Gln; replaces arginine 602 with glutamine.
Molecular consequence: missense variant.
Genome position (GRCh38, 1-based): chr17:46,066,580, C>T on the plus strand (G>A on the coding strand, the complement: KANSL1 is on the minus strand). VCF-style: chr17-46066580-C-T. GRCh37 (hg19) VCF-style: chr17-44143946-C-T.
Other names: c.1805G>A, p.Arg602Gln (NM_001193465.2, NM_001193466.2, NM_001379198.1 and 14 more transcripts); c.1703G>A, p.Arg568Gln (NM_001405859.1, NM_001405860.1, NM_001405861.1 and 1 more transcripts); c.539G>A, p.Arg180Gln (NM_001405882.1, NM_001405883.1, NM_001405884.1 and 1 more transcripts); short protein forms R568Q, R180Q, R602Q.
Identifiers: ClinVar variation 3642465 (VCV003642465.2).

ClinVar aggregate classification (germline): Uncertain significance (1 of 4 stars; one submission).

Conditions:
Koolen-de Vries syndrome (KDVS). Identifiers: Orphanet 96169, MedGen C1864871, MONDO:0012496, OMIM 610443.

gnomAD v4.1: 1 of 1,613,708 alleles (0.000062%); highest among the groups gnomAD compares: Non-Finnish European, 0.000085%; no homozygotes.

Submission:

Labcorp Genetics (formerly Invitae), Labcorp
Classification: Uncertain significance for Koolen-de Vries syndrome. Last evaluated: 2024-02-22. Review status: criteria provided, single submitter. Criteria: Invitae Variant Classification Sherloc (09022015). Collection method: clinical testing. Allele origin: germline.
Comment: This sequence change replaces arginine, which is basic and polar, with glutamine, which is neutral and polar, at codon 602 of the KANSL1 protein (p.Arg602Gln). This variant is not present in population databases (gnomAD no frequency). This variant has not been reported in the literature in individuals affected with KANSL1-related conditions. Advanced modeling of protein sequence and biophysical properties (such as structural, functional, and spatial information, amino acid conservation, physicochemical variation, residue mobility, and thermodynamic stability) performed at Invitae indicates that this missense variant is expected to disrupt KANSL1 protein function with a positive predictive value of 80%. In summary, the available evidence is currently insufficient to determine the role of this variant in disease. Therefore, it has been classified as a Variant of Uncertain Significance.